The following is an entry in ClinVar:

ClinVar aggregate classification (germline): Likely benign. Review status: criteria provided, multiple submitters, no conflicts (2 of 4 stars). 2 submissions from 2 submitters: Likely benign (2). Last evaluated 2024-10-15.

Allele frequency attached by ClinVar (database versions not stated): TOPMed 0.00022; 1000 Genomes Project 30x 0.00062.

Submissions (2):

Blueprint Genetics
Classification: Likely benign. Last evaluated: 2024-10-15. Review status: criteria provided, single submitter. Criteria: ACMG Guidelines, 2015. Collection method: clinical testing. Allele origin: germline.

CeGaT Center for Human Genetics Tuebingen
Classification: Likely benign. Last evaluated: 2023-04-01. Review status: criteria provided, single submitter. Criteria: CeGaT Center For Human Genetics Tuebingen Variant Classification Criteria Version 2. Collection method: clinical testing. Allele origin: germline. Affected: yes. Observed: 1 variant allele.
Comment: NCF1: BP4, BP7

NM_000265.7(NCF1):c.207C>T (p.Asn69=)

Genes: NCF1 (neutrophil cytosolic factor 1; plus strand), LOC106029312 (Williams-Beuren syndrome medial block B recombination region; plus strand). Cytogenetic location: 7q11.23.
Variant type: single nucleotide variant.
Coding change: c.207C>T on transcript NM_000265.7 (MANE Select); coding-DNA position 207, C replaced by T.
Protein change: p.Asn69=; no amino-acid change (asparagine 69 retained).
Molecular consequence: synonymous variant.
Genome position (GRCh38, 1-based): chr7:74,779,135, C>T. VCF-style: chr7-74779135-C-T. GRCh37 (hg19) VCF-style: chr7-74193481-C-T.
Identifiers: ClinVar variation 2657599 (VCV002657599.25), dbSNP rs782242537, ClinGen allele CA4298052.